The following is an entry in ClinVar:

NM_022489.4(INF2):c.571G>A (p.Val191Met)

Gene: INF2 (inverted formin 2; plus strand). Cytogenetic location: 14q32.33.
Variant type: single nucleotide variant.
Coding change: c.571G>A on transcript NM_022489.4 (MANE Select); coding-DNA position 571, G replaced by A.
Protein change: p.Val191Met; replaces valine 191 with methionine.
Molecular consequence: missense variant.
Genome position (GRCh38, 1-based): chr14:104,703,358, G>A. VCF-style: chr14-104703358-G-A. GRCh37 (hg19) VCF-style: chr14-105169695-G-A.
Other names: c.571G>A, p.Val191Met (NM_001031714.4, NM_032714.3); short protein forms V191M.
Identifiers: ClinVar variation 1398600 (VCV001398600.10), dbSNP rs1416500072, ClinGen allele CA391213293.

ClinVar aggregate classification (germline): Uncertain significance. Review status: criteria provided, multiple submitters, no conflicts (2 of 4 stars). 3 submissions from 3 submitters: Uncertain significance (3). Last evaluated 2024-06-14.

Conditions:
Charcot-Marie-Tooth disease dominant intermediate E. Also called: CHARCOT-MARIE-TOOTH NEUROPATHY WITH FOCAL SEGMENTAL GLOMERULONEPHRITIS. Identifiers: Orphanet 93114, MedGen C4302667, MONDO:0013758, OMIM 614455.
Focal segmental glomerulosclerosis 5 (FSGS5). Identifiers: Orphanet 656, MedGen C2750475, MONDO:0013191, OMIM 613237.

Allele frequency attached by ClinVar (database versions not stated): gnomAD exomes below 0.00001 and 0.00003; gnomAD 0.00001; TOPMed 0.00001.

Submissions (3):

Fulgent Genetics
Classification: Uncertain significance for Focal segmental glomerulosclerosis 5; Charcot-Marie-Tooth disease dominant intermediate E. Last evaluated: 2024-06-14. Review status: criteria provided, single submitter. Criteria: ACMG Guidelines, 2015. Collection method: clinical testing. Allele origin: germline.

Molecular Genetics, Royal Melbourne Hospital
Classification: Uncertain significance for Charcot-Marie-Tooth disease dominant intermediate E. Last evaluated: 2023-03-30. Review status: criteria provided, single submitter. Criteria: ACMG Guidelines, 2015. Collection method: clinical testing. Allele origin: germline.
Comment: This sequence change in INF2 is predicted to replace valine with methionine at codon 191, p.(Val191Met). The valine residue is moderately conserved (100 vertebrates, UCSC), and is located in the diaphanous inhibitory domain (DID, amino acids 35-281), a domain where all pathogenic missense variants in this gene are located and no benign missense variants (PMID: 32451589; ClinVar). There is a small physicochemical difference between valine and methionine. This variant is present in a single European (non-Finnish) individual from gnomAD v2.1 (1/112,850 alleles). To our knowledge, this variant has not been reported in the literature in any individuals with INF2-related disease. This variant has been reported in at least two probands with painful neuropathic symptoms in the lower distal limbs (ClinVar: SCV002176780.1; Royal Melbourne Hospital). Multiple lines of computational evidence predict a deleterious effect for the missense substitution (4/5 algorithms). Based on the classification scheme RMH Modified ACMG Guidelines v1.5.1, this variant is classified as a VARIANT OF UNCERTAIN SIGNIFICANCE. Following criteria are met: PM1, PS4_Supporting, PM2_Supporting, PP3.

Labcorp Genetics (formerly Invitae), Labcorp
Classification: Uncertain significance for Charcot-Marie-Tooth disease dominant intermediate E; Focal segmental glomerulosclerosis 5. Last evaluated: 2022-02-02. Review status: criteria provided, single submitter. Criteria: Invitae Variant Classification Sherloc (09022015). Collection method: clinical testing. Allele origin: germline.
Comment: This variant is present in population databases (no rsID available, gnomAD 0.0009%). In summary, the available evidence is currently insufficient to determine the role of this variant in disease. Therefore, it has been classified as a Variant of Uncertain Significance. Algorithms developed to predict the effect of missense changes on protein structure and function are either unavailable or do not agree on the potential impact of this missense change (SIFT: "Deleterious"; PolyPhen-2: "Probably Damaging"; Align-GVGD: "Class C0"). This variant has not been reported in the literature in individuals affected with INF2-related conditions. This sequence change replaces valine, which is neutral and non-polar, with methionine, which is neutral and non-polar, at codon 191 of the INF2 protein (p.Val191Met).

Literature cited by the submitters: PubMed 32451589 (cited by Molecular Genetics, Royal Melbourne Hospital).